The following is an entry in ClinVar:

ClinVar aggregate classification (germline): Likely benign. Review status: criteria provided, multiple submitters, no conflicts (2 of 4 stars). 2 submissions from 2 submitters: Likely benign (2). Last evaluated 2024-10-30.

Conditions:
Hereditary spastic paraplegia 8 (SPG8). Also called: SPASTIC PARAPLEGIA 8, AUTOSOMAL DOMINANT. Identifiers: Orphanet 100989, MedGen C1863704, MONDO:0011339, OMIM 603563.
Ritscher-Schinzel syndrome. Also called: CRANIOCEREBELLOCARDIAC DYSPLASIA. Identifiers: Orphanet 7, MedGen C0796137, MONDO:0019078.

Allele frequency attached by ClinVar (database versions not stated): ExAC 0.00002; 1000 Genomes Project 30x 0.00047; gnomAD exomes below 0.00001; gnomAD 0.00009; TOPMed 0.00019; 1000 Genomes Project 0.00040.

Submissions (2):

Labcorp Genetics (formerly Invitae), Labcorp
Classification: Likely benign for Ritscher-Schinzel syndrome; Hereditary spastic paraplegia 8. Last evaluated: 2024-10-30. Review status: criteria provided, single submitter. Criteria: Invitae Variant Classification Sherloc (09022015). Collection method: clinical testing. Allele origin: germline.

GeneDx
Classification: Likely benign. Last evaluated: 2017-06-12. Review status: criteria provided, single submitter. Criteria: GeneDx Variant Classification (06012015). Collection method: clinical testing. Allele origin: germline. Affected: yes.
Comment: This variant is considered likely benign or benign based on one or more of the following criteria: it is a conservative change, it occurs at a poorly conserved position in the protein, it is predicted to be benign by multiple in silico algorithms, and/or has population frequency not consistent with disease.

NM_014846.4(WASHC5):c.2139G>A (p.Glu713=)

Gene: WASHC5 (WASH complex subunit 5; minus strand). Cytogenetic location: 8q24.13.
Variant type: single nucleotide variant.
Coding change: c.2139G>A on transcript NM_014846.4 (MANE Select); coding-DNA position 2139, G replaced by A.
Protein change: p.Glu713=; no amino-acid change (glutamic acid 713 retained).
Molecular consequence: synonymous variant.
Genome position (GRCh38, 1-based): chr8:125,050,624, C>T on the plus strand (G>A on the coding strand, the complement: WASHC5 is on the minus strand). VCF-style: chr8-125050624-C-T. GRCh37 (hg19) VCF-style: chr8-126062866-C-T.
Other names: c.1695G>A, p.Glu565= (NM_001330609.2).
Identifiers: ClinVar variation 510087 (VCV000510087.6), dbSNP rs201066199, ClinGen allele CA4873606.